The following is an entry in ClinVar:

NC_000008.10:g.(?_43033197)_(43033397_?)dup

Gene: HGSNAT (heparan-alpha-glucosaminide N-acetyltransferase; plus strand). Cytogenetic location: 8p11.21.
Variant type: Duplication.
Identifiers: ClinVar variation 3245541 (VCV003245541.1).

ClinVar aggregate classification (germline): Likely pathogenic (1 of 4 stars; one submission).

Conditions:
Retinitis pigmentosa 73 (RP73). Identifiers: Orphanet 791, MedGen C4225287, MONDO:0014687, OMIM 616544.
Mucopolysaccharidosis, MPS-III-C (MPS3C). Also called: SANFILIPPO SYNDROME C; MPS III C; mucopolysaccharidosis type 3C; MPS IIIC (Sanfilippo Syndrome Type C); MUCOPOLYSACCHARIDOSIS, TYPE IIIC; Mucopolysaccharidosis type IIIC (Sanfilippo C). Identifiers: Orphanet 581, Orphanet 79271, MedGen C0086649, MONDO:0009657, OMIM 252930.

Submission:

Labcorp Genetics (formerly Invitae), Labcorp
Classification: Likely pathogenic for Retinitis pigmentosa 73; Mucopolysaccharidosis, MPS-III-C. Last evaluated: 2022-07-11. Review status: criteria provided, single submitter. Criteria: Invitae Variant Classification Sherloc (09022015). Collection method: clinical testing. Allele origin: unknown.
Comment: In summary, the currently available evidence indicates that the variant is pathogenic, but additional data are needed to prove that conclusively. Therefore, this variant has been classified as Likely Pathogenic. This variant has not been reported in the literature in individuals affected with HGSNAT-related conditions. This variant results in a copy number gain of the genomic region encompassing exon(s) 10 of the HGSNAT gene. While the exact position of this variant cannot be determined from the data, sub-genic copy number gains are generally in tandem (PMID: 25640679). This variant is predicted to be out-of-frame, and may result in an absent or disrupted protein product. Loss-of-function variants in HGSNAT are known to be pathogenic (PMID: 17033958, 19479962).

Literature cited by the submitters: PubMed 25640679; PubMed 17033958; PubMed 19479962.